The following is an entry in ClinVar:

ClinVar aggregate classification (germline): Uncertain significance. Review status: criteria provided, multiple submitters, no conflicts (2 of 4 stars). 2 submissions from 2 submitters: Uncertain significance (2). Last evaluated 2022-02-24.

Conditions:
Sitosterolemia 1. Identifiers: MedGen C2749759, MONDO:0020747, OMIM 210250.

Allele frequency attached by ClinVar (database versions not stated): gnomAD exomes 0.00001; ExAC 0.00001.
gnomAD v4.1: 5 of 1,612,844 alleles (0.00031%); highest among the groups gnomAD compares: African/African-American, 0.0067%; no homozygotes.

Submissions (2):

New York Genome Center
Classification: Uncertain significance for Sitosterolemia 1. Last evaluated: 2022-02-24. Review status: criteria provided, single submitter. Criteria: NYGC Assertion Criteria 2020. Collection method: clinical testing. Allele origin: germline. Observed: 1 heterozygote.

GeneDx
Classification: Uncertain significance. Last evaluated: 2019-05-07. Review status: criteria provided, single submitter. Criteria: GeneDx Variant Classification Process June 2021. Collection method: clinical testing. Allele origin: germline. Affected: yes.
Comment: This variant is associated with the following publications: (PMID: 16867993)

NM_022437.3(ABCG8):c.647G>A (p.Gly216Asp)

Gene: ABCG8 (ATP binding cassette subfamily G member 8; plus strand). Cytogenetic location: 2p21.
Variant type: single nucleotide variant.
Coding change: c.647G>A on transcript NM_022437.3 (MANE Select); coding-DNA position 647, G replaced by A.
Protein change: p.Gly216Asp; replaces glycine 216 with aspartic acid.
Molecular consequence: missense variant.
Genome position (GRCh38, 1-based): chr2:43,852,439, G>A. VCF-style: chr2-43852439-G-A. GRCh37 (hg19) VCF-style: chr2-44079578-G-A.
Other names: c.647G>A, p.Gly216Asp (NM_001357321.2); short protein forms G216D.
Identifiers: ClinVar variation 1305782 (VCV001305782.3), dbSNP rs775262569, ClinGen allele CA1637104.